The following is an entry in ClinVar:

ClinVar aggregate classification (germline): Uncertain significance. Review status: criteria provided, multiple submitters, no conflicts (2 of 4 stars). 2 submissions from 2 submitters: Uncertain significance (2). Last evaluated 2024-09-24.

Allele frequency attached by ClinVar (database versions not stated): ExAC 0.00001; TOPMed 0.00002.
gnomAD v4.1: 9 of 1,610,214 alleles (0.00056%); highest among the groups gnomAD compares: African/African-American, 0.0067%; no homozygotes.

Submissions (2):

Athena Diagnostics
Classification: Uncertain significance. Last evaluated: 2024-09-24. Review status: criteria provided, single submitter. Criteria: Athena Diagnostics Criteria. Collection method: clinical testing. Allele origin: unknown.
Comment: Available data are insufficient to determine the clinical significance of the variant at this time. The frequency of this variant in the general population is uninformative in assessment of its pathogenicity. Polyphen and MutationTaster yielded discordant predictions regarding whether this amino acid change is damaging to the protein.

Ambry Genetics
Classification: Uncertain significance. Last evaluated: 2022-10-26. Review status: criteria provided, single submitter. Criteria: Ambry Variant Classification Scheme 2023. Collection method: clinical testing. Allele origin: germline.

Literature cited by the submitters: PubMed 33057194 (cited by Athena Diagnostics).

NM_020361.5(CPA6):c.224A>G (p.Tyr75Cys)

Gene: CPA6 (carboxypeptidase A6; minus strand). Cytogenetic location: 8q13.2.
Variant type: single nucleotide variant.
Coding change: c.224A>G on transcript NM_020361.5 (MANE Select); coding-DNA position 224, A replaced by G.
Protein change: p.Tyr75Cys; replaces tyrosine 75 with cysteine.
Molecular consequence: missense variant.
Genome position (GRCh38, 1-based): chr8:67,518,016, T>C on the plus strand (A>G on the coding strand, the complement: CPA6 is on the minus strand). VCF-style: chr8-67518016-T-C. GRCh37 (hg19) VCF-style: chr8-68430251-T-C.
Other names: short protein forms Y75C.
Identifiers: ClinVar variation 2320815 (VCV002320815.3), dbSNP rs111479505, ClinGen allele CA4773033.